The following is an entry in ClinVar:

NM_001281740.3(FHOD3):c.1248A>G (p.Glu416=)

Gene: FHOD3 (formin homology 2 domain containing 3; plus strand). Cytogenetic location: 18q12.2.
Variant type: single nucleotide variant.
Coding change: c.1248A>G on transcript NM_001281740.3 (MANE Select); coding-DNA position 1248, A replaced by G.
Protein change: p.Glu416=; no amino-acid change (glutamic acid 416 retained).
Molecular consequence: synonymous variant. On other transcripts: intron variant (2).
Genome position (GRCh38, 1-based): chr18:36,649,367, A>G. VCF-style: chr18-36649367-A-G. GRCh37 (hg19) VCF-style: chr18-34229330-A-G.
Other names: c.1197-8708A>G (NM_025135.5, NM_001281739.3).
Identifiers: ClinVar variation 3037044 (VCV003037044.3), dbSNP rs534901959, ClinGen allele CA298942718.

ClinVar aggregate classification (germline): Likely benign. Review status: criteria provided, single submitter (1 of 4 stars). 2 submissions from 2 submitters: Likely benign (1). 1 of the submissions does not count toward it. Last evaluated 2024-09-16.

Conditions:
FHOD3-related disorder. Also called: FHOD3-related condition.

Allele frequency attached by ClinVar (database versions not stated): gnomAD 0.00027; 1000 Genomes Project 0.00140; 1000 Genomes Project 30x 0.00156.
gnomAD v4.1: 84 of 1,535,680 alleles (0.0055%); highest among the groups gnomAD compares: African/African-American, 0.094%; no homozygotes.

Submissions (2):

Blueprint Genetics
Classification: Likely benign. Last evaluated: 2024-09-16. Review status: criteria provided, single submitter. Criteria: ACMG Guidelines, 2015. Collection method: clinical testing. Allele origin: germline.

PreventionGenetics, part of Exact Sciences
Classification: Likely benign for FHOD3-related condition. Last evaluated: 2023-06-19. Review status: no assertion criteria provided. Collection method: clinical testing. Allele origin: germline. Not counted in ClinVar's aggregate classification.
Comment: This variant is classified as likely benign based on ACMG/AMP sequence variant interpretation guidelines (Richards et al. 2015 PMID: 25741868, with internal and published modifications).